The following is an entry in ClinVar:

NC_000011.9:g.(?_123504851)_(123524509_?)dup

Gene: SCN3B (sodium voltage-gated channel beta subunit 3; minus strand). Cytogenetic location: 11q24.1.
Variant type: Duplication.
Identifiers: ClinVar variation 3244661 (VCV003244661.1).

ClinVar aggregate classification (germline): Uncertain significance (1 of 4 stars; one submission).

Conditions:
Brugada syndrome 7 (BRGDA7). Identifiers: Orphanet 130, MedGen C2751088, MONDO:0013146, OMIM 613120.

Submission:

Labcorp Genetics (formerly Invitae), Labcorp
Classification: Uncertain significance for Brugada syndrome 7. Last evaluated: 2023-02-08. Review status: criteria provided, single submitter. Criteria: Invitae Variant Classification Sherloc (09022015). Collection method: clinical testing. Allele origin: unknown.
Comment: This variant has not been reported in the literature in individuals affected with SCN3B-related conditions. A copy number gain of the genomic region encompassing the full coding sequence of the SCN3B gene has been identified. The boundaries of this event are unknown as they extend beyond the assayed region for this gene and therefore may encompass additional genes. As the precise location of this event is unknown, it may be in tandem or it may be located elsewhere in the genome. In summary, the available evidence is currently insufficient to determine the role of this variant in disease. Therefore, it has been classified as a Variant of Uncertain Significance.